The following is an entry in ClinVar:

ClinVar aggregate classification (germline): Pathogenic (1 of 4 stars; one submission).

Conditions:
Lynch syndrome 5 (LYNCH5). Also called: Colorectal cancer, hereditary nonpolyposis, type 5; Hereditary non-polyposis colorectal cancer, type 5. Identifiers: Orphanet 144, MedGen C1833477, MONDO:0013710, OMIM 614350. Disease mechanism: loss of function.

Submission:

Myriad Genetics, Inc.
Classification: Pathogenic for Lynch syndrome 5. Last evaluated: 2023-08-15. Review status: criteria provided, single submitter. Criteria: Myriad Autosomal Dominant, Autosomal Recessive and X-Linked Classification Criteria (2023). Collection method: clinical testing. Allele origin: unknown.
Comment: This variant is considered pathogenic. This variant creates a termination codon and is predicted to result in premature protein truncation.

NM_000179.3(MSH6):c.1606_1607del (p.Tyr535_Ser536insTer)

Gene: MSH6 (mutS homolog 6; plus strand). Cytogenetic location: 2p16.3.
Variant type: Deletion.
Coding change: c.1606_1607del on transcript NM_000179.3 (MANE Select); coding-DNA positions 1606 to 1607, 2 bases deleted (AG; older notation c.1606_1607delAG).
Protein change: p.Tyr535_Ser536insTer.
Molecular consequence: nonsense. On other transcripts: non-coding transcript variant (4), splice donor variant (1), intron variant (1).
Genome position (GRCh38, 1-based): chr2:47,799,589-47,799,590, AG deleted. VCF-style (leftmost placement, unchanged base first): chr2-47799588-CAG-C. GRCh37 (hg19) VCF-style: chr2-48026727-CAG-C.
Other names: c.1216_1217del, p.Tyr405_Ser406insTer (NM_001281492.2); c.700_701del, p.Tyr233_Ser234insTer (NM_001281493.2, NM_001281494.2, NM_001406811.1 and 6 more transcripts); c.1702_1703del, p.Tyr567_Ser568insTer (NM_001406795.1, NM_001406802.1); c.1606_1607del, p.Tyr535_Ser536insTer (NM_001406796.1, NM_001406798.1, NM_001406800.1 and 3 more transcripts); c.1309_1310del, p.Tyr436_Ser437insTer (NM_001406797.1, NM_001406801.1, NM_001406805.1 and 10 more transcripts); c.1081_1082del, p.Tyr360_Ser361insTer (NM_001406799.1, NM_001406806.1, NM_001406807.1); c.1528_1529del, p.Tyr509_Ser510insTer (NM_001406804.1); c.1612_1613del, p.Tyr537_Ser538insTer (NM_001406813.1); and 3 more.
Identifiers: ClinVar variation 2673653 (VCV002673653.1), dbSNP rs2530619350, ClinGen allele CA2695200604.